The following is an entry in ClinVar:

NM_004984.4(KIF5A):c.922A>G (p.Ser308Gly)

Gene: KIF5A (kinesin family member 5A; plus strand). Cytogenetic location: 12q13.3.
Variant type: single nucleotide variant.
Coding change: c.922A>G on transcript NM_004984.4 (MANE Select); coding-DNA position 922, A replaced by G.
Protein change: p.Ser308Gly; replaces serine 308 with glycine.
Molecular consequence: missense variant.
Genome position (GRCh38, 1-based): chr12:57,569,358, A>G. VCF-style: chr12-57569358-A-G. GRCh37 (hg19) VCF-style: chr12-57963141-A-G.
Other names: c.655A>G, p.Ser219Gly (NM_001354705.2); short protein forms S219G, S308G.
Identifiers: ClinVar variation 2959953 (VCV002959953.3), dbSNP rs1295922331, ClinGen allele CA385500866.

ClinVar aggregate classification (germline): Uncertain significance (1 of 4 stars; one submission).

Conditions:
Spastic paraplegia. Identifiers: MedGen C0037772, HP:0001258.

Allele frequency attached by ClinVar (database versions not stated): TOPMed below 0.00001; gnomAD 0.00001.
gnomAD v4.1: 2 of 1,613,836 alleles (0.00012%); highest among the groups gnomAD compares: East Asian, 0.0022%; no homozygotes.

Submission:

Labcorp Genetics (formerly Invitae), Labcorp
Classification: Uncertain significance for Spastic paraplegia. Last evaluated: 2023-12-13. Review status: criteria provided, single submitter. Criteria: Invitae Variant Classification Sherloc (09022015). Collection method: clinical testing. Allele origin: germline.
Comment: This sequence change replaces serine, which is neutral and polar, with glycine, which is neutral and non-polar, at codon 308 of the KIF5A protein (p.Ser308Gly). This variant is not present in population databases (gnomAD no frequency). This variant has not been reported in the literature in individuals affected with KIF5A-related conditions. Advanced modeling of protein sequence and biophysical properties (such as structural, functional, and spatial information, amino acid conservation, physicochemical variation, residue mobility, and thermodynamic stability) performed at Invitae indicates that this missense variant is not expected to disrupt KIF5A protein function with a negative predictive value of 95%. In summary, the available evidence is currently insufficient to determine the role of this variant in disease. Therefore, it has been classified as a Variant of Uncertain Significance.